The following is an entry in ClinVar:

NM_012123.4(MTO1):c.620C>G (p.Thr207Arg)

Gene: MTO1 (mitochondrial tRNA translation optimization 1; plus strand). Cytogenetic location: 6q13.
Variant type: single nucleotide variant.
Coding change: c.620C>G on transcript NM_012123.4 (MANE Select); coding-DNA position 620, C replaced by G.
Protein change: p.Thr207Arg; replaces threonine 207 with arginine.
Molecular consequence: missense variant.
Genome position (GRCh38, 1-based): chr6:73,473,449, C>G. VCF-style: chr6-73473449-C-G. GRCh37 (hg19) VCF-style: chr6-74183172-C-G.
Other names: c.620C>G, p.Thr207Arg (NM_001123226.2, NM_133645.3); short protein forms T207R.
Identifiers: ClinVar variation 2061147 (VCV002061147.4), dbSNP rs139334277, ClinGen allele CA364713526.

ClinVar aggregate classification (germline): Uncertain significance (1 of 4 stars; one submission).

Conditions:
Mitochondrial hypertrophic cardiomyopathy with lactic acidosis due to MTO1 deficiency. Also called: CARDIOMYOPATHY, INFANTILE HYPERTROPHIC MITOCHONDRIAL, AND LACTIC ACIDOSIS; Combined oxidative phosphorylation deficiency 10. Identifiers: Orphanet 314637, MedGen C4749921, MONDO:0013865, OMIM 614702.

Submission:

Labcorp Genetics (formerly Invitae), Labcorp
Classification: Uncertain significance for Mitochondrial hypertrophic cardiomyopathy with lactic acidosis due to MTO1 deficiency. Last evaluated: 2022-05-18. Review status: criteria provided, single submitter. Criteria: Invitae Variant Classification Sherloc (09022015). Collection method: clinical testing. Allele origin: germline.
Comment: In summary, the available evidence is currently insufficient to determine the role of this variant in disease. Therefore, it has been classified as a Variant of Uncertain Significance. Algorithms developed to predict the effect of missense changes on protein structure and function (SIFT, PolyPhen-2, Align-GVGD) all suggest that this variant is likely to be tolerated. This variant has not been reported in the literature in individuals affected with MTO1-related conditions. This variant is present in population databases (no rsID available, gnomAD 0.0009%). This sequence change replaces threonine, which is neutral and polar, with arginine, which is basic and polar, at codon 207 of the MTO1 protein (p.Thr207Arg).